The following is an entry in ClinVar:

NM_017654.4(SAMD9):c.3563G>T (p.Arg1188Leu)

Gene: SAMD9 (sterile alpha motif domain containing 9; minus strand). Cytogenetic location: 7q21.2.
Variant type: single nucleotide variant.
Coding change: c.3563G>T on transcript NM_017654.4 (MANE Select); coding-DNA position 3563, G replaced by T.
Protein change: p.Arg1188Leu; replaces arginine 1188 with leucine.
Molecular consequence: missense variant.
Genome position (GRCh38, 1-based): chr7:93,102,535, C>A on the plus strand (G>T on the coding strand, the complement: SAMD9 is on the minus strand). VCF-style: chr7-93102535-C-A. GRCh37 (hg19) VCF-style: chr7-92731848-C-A.
Other names: c.3563G>T, p.Arg1188Leu (NM_001193307.2); c.3563G>T (NM_017654.3); short protein forms R1188L.
Identifiers: ClinVar variation 2746538 (VCV002746538.4), dbSNP rs368696956, ClinGen allele CA368184332.

ClinVar aggregate classification (germline): Uncertain significance. Review status: criteria provided, multiple submitters, no conflicts (2 of 4 stars). 2 submissions from 2 submitters: Uncertain significance (2). Last evaluated 2025-09-13.

Conditions:
Inborn genetic diseases. Identifiers: MedGen C0950123, MeSH D030342.

Submissions (2):

Ambry Genetics
Classification: Uncertain significance for Inborn genetic diseases. Last evaluated: 2025-09-13. Review status: criteria provided, single submitter. Criteria: Ambry Variant Classification Scheme 2023. Collection method: clinical testing. Allele origin: germline.
Comment: The p.R1188L variant (also known as c.3563G>T), located in coding exon 1 of the SAMD9 gene, results from a G to T substitution at nucleotide position 3563. The arginine at codon 1188 is replaced by leucine, an amino acid with dissimilar properties. This amino acid position is conserved. In addition, this alteration is predicted to be tolerated by in silico analysis. Based on the available evidence, the clinical significance of this variant remains unclear.

Labcorp Genetics (formerly Invitae), Labcorp
Classification: Uncertain significance. Last evaluated: 2024-01-29. Review status: criteria provided, single submitter. Criteria: Invitae Variant Classification Sherloc (09022015). Collection method: clinical testing. Allele origin: germline.
Comment: This sequence change replaces arginine, which is basic and polar, with leucine, which is neutral and non-polar, at codon 1188 of the SAMD9 protein (p.Arg1188Leu). This variant is not present in population databases (gnomAD no frequency). This variant has not been reported in the literature in individuals affected with SAMD9-related conditions. Advanced modeling of protein sequence and biophysical properties (such as structural, functional, and spatial information, amino acid conservation, physicochemical variation, residue mobility, and thermodynamic stability) performed at Invitae indicates that this missense variant is not expected to disrupt SAMD9 protein function with a negative predictive value of 95%. In summary, the available evidence is currently insufficient to determine the role of this variant in disease. Therefore, it has been classified as a Variant of Uncertain Significance.